The following is an entry in ClinVar:

ClinVar aggregate classification (germline): Uncertain significance. Review status: criteria provided, multiple submitters, no conflicts (2 of 4 stars). 2 submissions from 2 submitters: Uncertain significance (2). Last evaluated 2025-06-09.

gnomAD v4.1: 6 of 1,086,724 alleles (0.00055%); highest among the groups gnomAD compares: African/African-American, 0.0017%; no homozygotes.

Submissions (2):

Ambry Genetics
Classification: Uncertain significance. Last evaluated: 2025-06-09. Review status: criteria provided, single submitter. Criteria: Ambry Variant Classification Scheme 2023. Collection method: clinical testing. Allele origin: germline.

GeneDx
Classification: Uncertain significance. Last evaluated: 2022-10-27. Review status: criteria provided, single submitter. Criteria: GeneDx Variant Classification Process June 2021. Collection method: clinical testing. Allele origin: germline. Affected: yes.
Comment: Not observed at significant frequency in large population cohorts (gnomAD); In silico analysis supports that this missense variant has a deleterious effect on protein structure/function; Has not been previously published as pathogenic or benign to our knowledge; Variants in candidate genes are classified as variants of uncertain significance in accordance with ACMG guidelines (Richards et al., 2015)

NM_000718.4(CACNA1B):c.2752C>T (p.His918Tyr)

Gene: CACNA1B (calcium voltage-gated channel subunit alpha1 B; plus strand). Cytogenetic location: 9q34.3.
Variant type: single nucleotide variant.
Coding change: c.2752C>T on transcript NM_000718.4 (MANE Select); coding-DNA position 2752, C replaced by T.
Protein change: p.His918Tyr; replaces histidine 918 with tyrosine.
Molecular consequence: missense variant.
Genome position (GRCh38, 1-based): chr9:138,023,495, C>T. VCF-style: chr9-138023495-C-T. GRCh37 (hg19) VCF-style: chr9-140917947-C-T.
Other names: c.2752C>T, p.His918Tyr (NM_001243812.2); short protein forms H918Y.
Identifiers: ClinVar variation 3342688 (VCV003342688.2).
Genomic context (GRCh38, chr9:138,023,495, plus strand): 5'-GGGCCCCCGGAGGCGCGGAGCGAGCGCGGCCGAGGCCCAGGCCCCGAGGGCGGCCGGCGG[C>T]ACCACCGGCGCGGCTCCCCGGAGGAGGCGGCCGAGCGGGAGCCCCGACGCCACCGCGCGC-3'
Protein context (NP_000709.1, residues 908-928): RGPGPEGGRR[His918Tyr]HRRGSPEEAA